The following is an entry in ClinVar:

ClinVar aggregate classification (germline): Uncertain significance. Review status: criteria provided, multiple submitters, no conflicts (2 of 4 stars). 2 submissions from 2 submitters: Uncertain significance (2). Last evaluated 2025-12-23.

Conditions:
Inborn genetic diseases. Identifiers: MedGen C0950123, MeSH D030342.

Allele frequency attached by ClinVar (database versions not stated): gnomAD exomes below 0.00001.
gnomAD v4.1: 8 of 1,545,126 alleles (0.00052%); highest among the groups gnomAD compares: African/African-American, 0.0014%; no homozygotes.

Submissions (2):

Labcorp Genetics (formerly Invitae), Labcorp
Classification: Uncertain significance. Last evaluated: 2025-12-23. Review status: criteria provided, single submitter. Criteria: Invitae Variant Classification Sherloc (09022015). Collection method: clinical testing. Allele origin: germline.
Comment: This sequence change replaces proline, which is neutral and non-polar, with alanine, which is neutral and non-polar, at codon 1913 of the PIEZO1 protein (p.Pro1913Ala). This variant is not present in population databases (gnomAD no frequency). This variant has not been reported in the literature in individuals affected with PIEZO1-related conditions. ClinVar contains an entry for this variant (Variation ID: 3212695). Invitae Evidence Modeling of protein sequence and biophysical properties (such as structural, functional, and spatial information, amino acid conservation, physicochemical variation, residue mobility, and thermodynamic stability) indicates that this missense variant is not expected to disrupt PIEZO1 protein function with a negative predictive value of 80%. In summary, the available evidence is currently insufficient to determine the role of this variant in disease. Therefore, it has been classified as a Variant of Uncertain Significance.

Ambry Genetics
Classification: Uncertain significance for Inborn genetic diseases. Last evaluated: 2023-10-16. Review status: criteria provided, single submitter. Criteria: Ambry Variant Classification Scheme 2023. Collection method: clinical testing. Allele origin: germline.

NM_001142864.4(PIEZO1):c.5737C>G (p.Pro1913Ala)

Gene: PIEZO1 (piezo type mechanosensitive ion channel component 1 (Er blood group); minus strand). Cytogenetic location: 16q24.3.
Variant type: single nucleotide variant.
Coding change: c.5737C>G on transcript NM_001142864.4 (MANE Select); coding-DNA position 5737, C replaced by G.
Protein change: p.Pro1913Ala; replaces proline 1913 with alanine.
Molecular consequence: missense variant.
Genome position (GRCh38, 1-based): chr16:88,720,680, G>C on the plus strand (C>G on the coding strand, the complement: PIEZO1 is on the minus strand). VCF-style: chr16-88720680-G-C. GRCh37 (hg19) VCF-style: chr16-88787088-G-C.
Other names: c.4279C>G, p.Pro1427Ala (NM_014745.1); short protein forms P1427A, P1913A.
Identifiers: ClinVar variation 3212695 (VCV003212695.2), dbSNP rs1478960214, ClinGen allele CA397088857.